The following is an entry in ClinVar:

ClinVar aggregate classification (germline): Conflicting classifications of pathogenicity. Review status: criteria provided, conflicting classifications (1 of 4 stars). 16 submissions from 16 submitters: Uncertain significance (2); Benign (6); Likely benign (5). 3 of the submissions do not count toward it. Last evaluated 2026-09-01.

Conditions:
Bardet-Biedl syndrome (BBS). Identifiers: Orphanet 110, MedGen C0752166, MONDO:0015229.
Bardet-Biedl syndrome 1 (BBS1). Identifiers: MedGen C2936862, MONDO:0008854, OMIM 209900. Disease mechanism: loss of function.
Bardet-Biedl syndrome 12 (BBS12). Identifiers: Orphanet 110, MedGen C1859570, MONDO:0014440, OMIM 615989.

Allele frequency attached by ClinVar (database versions not stated): ESP Exome Variant Server 0.00546; gnomAD exomes 0.00747 and 0.00631; 1000 Genomes Project 0.00220; gnomAD 0.00569 and 0.00577; TOPMed 0.00587; 1000 Genomes Project 30x 0.00219; ExAC 0.00607.
gnomAD v4.1: 11,758 of 1,613,476 alleles (0.73%); highest among the groups gnomAD compares: Middle Eastern, 1.2%; 55 homozygotes.

Submissions (16):

CeGaT Center for Human Genetics Tuebingen
Classification: Likely benign. Last evaluated: 2026-09-01. Review status: criteria provided, single submitter. Criteria: CeGaT Center For Human Genetics Tuebingen Variant Classification Criteria Version 2. Collection method: clinical testing. Allele origin: germline. Affected: yes. Observed: 17 variant alleles.
Comment: BBS12: BS2

Labcorp Genetics (formerly Invitae), Labcorp
Classification: Benign for Bardet-Biedl syndrome. Last evaluated: 2026-02-02. Review status: criteria provided, single submitter. Criteria: Invitae Variant Classification Sherloc (09022015). Collection method: clinical testing. Allele origin: germline.

Blueprint Genetics
Classification: Likely benign. Last evaluated: 2024-11-26. Review status: criteria provided, single submitter. Criteria: ACMG Guidelines, 2015. Collection method: clinical testing. Allele origin: germline.

Mayo Clinic Laboratories, Mayo Clinic
Classification: Benign. Last evaluated: 2024-11-25. Review status: criteria provided, single submitter. Criteria: ACMG Guidelines, 2015. Collection method: clinical testing. Allele origin: germline. Observed: 2 variant alleles.
Comment: BS1, BS2, BP5

Women's Health and Genetics/Laboratory Corporation of America, LabCorp
Classification: Likely benign. Last evaluated: 2022-02-22. Review status: criteria provided, single submitter. Criteria: LabCorp Variant Classification Summary - May 2015. Collection method: clinical testing. Allele origin: germline.
Comment: Variant summary: BBS12 c.116T>C (p.Ile39Thr) results in a non-conservative amino acid change in the encoded protein sequence. Five of five in-silico tools predict a damaging effect of the variant on protein function. The variant allele was found at a frequency of 0.0063 in 251186 control chromosomes in the gnomAD database, including 6 homozygotes. The observed variant frequency is approximately 8 fold of the estimated maximal expected allele frequency for a pathogenic variant in BBS12 causing Bardet-Biedl Syndrome phenotype (0.00076), strongly suggesting that the variant is benign. c.116T>C has been reported in the literature in individuals affected with Bardet-Biedl Syndrome. These report(s) do not provide unequivocal conclusions about association of the variant with Bardet-Biedl Syndrome. At-least one co-occurrence with other pathogenic variant(s) have been reported (BBS12 c.814C>T, p.Arg272*), providing supporting evidence for a benign role (example, Manara_2019). One publication reports experimental evidence evaluating an impact on protein function, however, does not allow convincing conclusions about the variant effect (Zaghoul_2010). Seven clinical diagnostic laboratories have submitted clinical-significance assessments for this variant to ClinVar after 2014 without evidence for independent evaluation. Multiple laboratories reported the variant with conflicting assessments. Based on the evidence outlined above, the variant was classified as likely benign.

Genome-Nilou Lab
Classification: Uncertain significance for Bardet-Biedl syndrome 12. Last evaluated: 2021-05-18. Review status: criteria provided, single submitter. Criteria: ACMG Guidelines, 2015. Collection method: clinical testing. Allele origin: germline. Affected: no.

Genetic Services Laboratory, University of Chicago
Classification: Benign. Last evaluated: 2018-09-04. Review status: criteria provided, single submitter. Criteria: ACMG Guidelines, 2015. Collection method: clinical testing. Allele origin: germline. Affected: no.

Illumina Laboratory Services, Illumina
Classification: Likely benign for Bardet-Biedl syndrome 12. Last evaluated: 2018-01-13. Review status: criteria provided, single submitter. Criteria: ICSL Variant Classification Criteria 13 December 2019. Collection method: clinical testing. Allele origin: germline.
Comment: This variant was observed in the ICSL laboratory as part of a predisposition screen in an ostensibly healthy population. It had not been previously curated by ICSL or reported in the Human Gene Mutation Database (HGMD: prior to June 1st, 2018), and was therefore a candidate for classification through an automated scoring system. Utilizing variant allele frequency, disease prevalence and penetrance estimates, and inheritance mode, an automated score was calculated to assess if this variant is too frequent to cause the disease. Based on the score and internal cut-off values, a variant classified as likely benign is not then subjected to further curation. The score for this variant resulted in a classification of likely benign for this disease.

Genomic Research Center, Shahid Beheshti University of Medical Sciences
Classification: Uncertain significance for Bardet-Biedl syndrome 12. Last evaluated: 2017-12-18. Review status: criteria provided, single submitter. Criteria: ACMG Guidelines, 2015. Collection method: clinical testing. Allele origin: inherited. Affected: yes.

Center for Pediatric Genomic Medicine, Children's Mercy Hospital and Clinics
Classification: Likely benign. Last evaluated: 2017-05-09. Review status: criteria provided, single submitter. Criteria: ACMG Guidelines, 2015. Collection method: clinical testing. Allele origin: germline.

Genome Diagnostics Laboratory, University Medical Center Utrecht
Classification: Benign for Bardet-Biedl syndrome 1. Last evaluated: 2014-12-22. Review status: criteria provided, single submitter. Criteria: ACGS Guidelines, 2013. Collection method: clinical testing. Allele origin: germline. Affected: yes. Study: VKGL Data-share Consensus.

Eurofins Ntd Llc (ga)
Classification: Benign. Last evaluated: 2013-11-20. Review status: criteria provided, single submitter. Criteria: EGL Classification Definitions 2015. Collection method: clinical testing. Allele origin: germline. Observed: 1 variant allele, 1 heterozygote.

PreventionGenetics, part of Exact Sciences
Classification: Benign. Review status: criteria provided, single submitter. Criteria: ACMG Guidelines, 2015. Collection method: clinical testing. Allele origin: germline.

Natera, Inc.
Classification: Benign for Bardet-Biedl syndrome type 12. Last evaluated: 2019-11-13. Review status: no assertion criteria provided. Collection method: clinical testing. Allele origin: germline. Not counted in ClinVar's aggregate classification.

Genome Diagnostics Laboratory, Amsterdam University Medical Center
Classification: Likely benign for Bardet-Biedl syndrome 1. Last evaluated: 2017-04-19. Review status: no assertion criteria provided. Criteria: ACGS Guidelines, 2013. Collection method: clinical testing. Allele origin: germline. Affected: yes. Study: VKGL Data-share Consensus. Not counted in ClinVar's aggregate classification.

Clinical Genetics, Academic Medical Center
Classification: Benign. Review status: no assertion criteria provided. Collection method: clinical testing. Allele origin: germline. Affected: yes. Study: VKGL Data-share Consensus. Not counted in ClinVar's aggregate classification.

Literature cited by the submitters: PubMed 20498079 (cited by Mayo Clinic Laboratories, Mayo Clinic and Women's Health and Genetics/Laboratory Corporation of America, LabCorp); PubMed 31196119 (cited by Mayo Clinic Laboratories, Mayo Clinic and Women's Health and Genetics/Laboratory Corporation of America, LabCorp).

NM_152618.3(BBS12):c.116T>C (p.Ile39Thr)

Gene: BBS12 (Bardet-Biedl syndrome 12; plus strand). Cytogenetic location: 4q27.
Variant type: single nucleotide variant.
Coding change: c.116T>C on transcript NM_152618.3 (MANE Select); coding-DNA position 116, T replaced by C.
Protein change: p.Ile39Thr; replaces isoleucine 39 with threonine.
Molecular consequence: missense variant.
Genome position (GRCh38, 1-based): chr4:122,742,008, T>C. VCF-style: chr4-122742008-T-C. GRCh37 (hg19) VCF-style: chr4-123663163-T-C.
Other names: c.116T>C, p.Ile39Thr (NM_001178007.2); short protein forms I39T.
Identifiers: ClinVar variation 96504 (VCV000096504.63), dbSNP rs138036823, ClinGen allele CA149562.